The following is an entry in ClinVar:

ClinVar aggregate classification (germline): Uncertain significance (1 of 4 stars; one submission).

Conditions:
Early Myoclonic Encephalopathy. Identifiers: MedGen C0270855.

Allele frequency attached by ClinVar (database versions not stated): TOPMed below 0.00001.

Submission:

Labcorp Genetics (formerly Invitae), Labcorp
Classification: Uncertain significance for Early Myoclonic Encephalopathy. Last evaluated: 2023-08-11. Review status: criteria provided, single submitter. Criteria: Invitae Variant Classification Sherloc (09022015). Collection method: clinical testing. Allele origin: germline.
Comment: In summary, the available evidence is currently insufficient to determine the role of this variant in disease. Therefore, it has been classified as a Variant of Uncertain Significance. Advanced modeling of protein sequence and biophysical properties (such as structural, functional, and spatial information, amino acid conservation, physicochemical variation, residue mobility, and thermodynamic stability) performed at Invitae indicates that this missense variant is not expected to disrupt KCND2 protein function. This variant has not been reported in the literature in individuals affected with KCND2-related conditions. This variant is not present in population databases (gnomAD no frequency). This sequence change replaces glutamic acid, which is acidic and polar, with lysine, which is basic and polar, at codon 136 of the KCND2 protein (p.Glu136Lys).

NM_012281.3(KCND2):c.406G>A (p.Glu136Lys)

Gene: KCND2 (potassium voltage-gated channel subfamily D member 2; plus strand). Cytogenetic location: 7q31.31.
Variant type: single nucleotide variant.
Coding change: c.406G>A on transcript NM_012281.3 (MANE Select); coding-DNA position 406, G replaced by A.
Protein change: p.Glu136Lys; replaces glutamic acid 136 with lysine.
Molecular consequence: missense variant.
Genome position (GRCh38, 1-based): chr7:120,275,038, G>A. VCF-style: chr7-120275038-G-A. GRCh37 (hg19) VCF-style: chr7-119915092-G-A.
Other names: short protein forms E136K.
Identifiers: ClinVar variation 2818337 (VCV002818337.3), dbSNP rs1799153443, ClinGen allele CA369131533.
Genomic context (GRCh38, chr7:120,275,038, plus strand): 5'-GATGAAGAACTGGCCTTCTTTGGCCTCATCCCGGAAATCATCGGCGACTGCTGTTATGAG[G>A]AGTACAAGGATCGCAGGCGAGAGAACGCCGAGCGCCTGCAGGACGACGCGGATACCGACA-3'
Protein context (NP_036413.1, residues 126-146): PEIIGDCCYE[Glu136Lys]YKDRRRENAE